The following is an entry in ClinVar:

NM_002381.5(MATN3):c.144T>G (p.Pro48=)

Gene: MATN3 (matrilin 3; minus strand). Cytogenetic location: 2p24.1.
Variant type: single nucleotide variant.
Coding change: c.144T>G on transcript NM_002381.5 (MANE Select); coding-DNA position 144, T replaced by G.
Protein change: p.Pro48=; no amino-acid change (proline 48 retained).
Molecular consequence: synonymous variant.
Genome position (GRCh38, 1-based): chr2:20,012,488, A>C on the plus strand (T>G on the coding strand, the complement: MATN3 is on the minus strand). VCF-style: chr2-20012488-A-C. GRCh37 (hg19) VCF-style: chr2-20212249-A-C.
Identifiers: ClinVar variation 5001981 (VCV005001981.1).

ClinVar aggregate classification (germline): Likely benign (1 of 4 stars; one submission).

Conditions:
MATN3-related disorder. Also called: MATN3-related condition.

gnomAD v4.1: 12 of 1,229,046 alleles (0.00098%); highest among the groups gnomAD compares: African/African-American, 0.0016%; no homozygotes.

Submission:

PreventionGenetics, part of Exact Sciences
Classification: Likely benign for MATN3-related condition. Last evaluated: 2025-12-02. Review status: criteria provided, single submitter. Criteria: ACMG Guidelines, 2015. Collection method: clinical testing. Allele origin: germline.
Comment: This variant is classified as likely benign based on ACMG/AMP sequence variant interpretation guidelines (Richards et al. 2015 PMID: 25741868, with internal and published modifications).